The following is an entry in ClinVar:

ClinVar aggregate classification (germline): Uncertain significance. Review status: criteria provided, multiple submitters, no conflicts (2 of 4 stars). 2 submissions from 2 submitters: Uncertain significance (2). Last evaluated 2023-10-06.

Conditions:
Inborn genetic diseases. Identifiers: MedGen C0950123, MeSH D030342.

Allele frequency attached by ClinVar (database versions not stated): gnomAD exomes below 0.00001; gnomAD 0.00001; TOPMed 0.00001; 1000 Genomes Project 0.00020; 1000 Genomes Project 30x 0.00031.
gnomAD v4.1: 7 of 1,604,072 alleles (0.00044%); highest among the groups gnomAD compares: Admixed American, 0.0033%; no homozygotes.

Submissions (2):

Ambry Genetics
Classification: Uncertain significance for Inborn genetic diseases. Last evaluated: 2023-10-06. Review status: criteria provided, single submitter. Criteria: Ambry Variant Classification Scheme 2023. Collection method: clinical testing. Allele origin: germline.

GeneDx
Classification: Uncertain significance. Last evaluated: 2022-03-18. Review status: criteria provided, single submitter. Criteria: GeneDx Variant Classification Process June 2021. Collection method: clinical testing. Allele origin: germline. Affected: yes.
Comment: In silico analysis supports that this missense variant has a deleterious effect on protein structure/function; Has not been previously published as pathogenic or benign to our knowledge

NM_001355436.2(SPTB):c.5218G>A (p.Gly1740Arg)

Gene: SPTB (spectrin beta, erythrocytic; minus strand). Cytogenetic location: 14q23.3.
Variant type: single nucleotide variant.
Coding change: c.5218G>A on transcript NM_001355436.2 (MANE Select); coding-DNA position 5218, G replaced by A.
Protein change: p.Gly1740Arg; replaces glycine 1740 with arginine.
Molecular consequence: missense variant.
Genome position (GRCh38, 1-based): chr14:64,772,915, C>T on the plus strand (G>A on the coding strand, the complement: SPTB is on the minus strand). VCF-style: chr14-64772915-C-T. GRCh37 (hg19) VCF-style: chr14-65239633-C-T.
Other names: NM_000347.5:c.5218G>A; c.5218G>A, p.Gly1740Arg (NM_001024858.4, NM_001355437.2); short protein forms G1740R.
Identifiers: ClinVar variation 1706264 (VCV001706264.3), dbSNP rs541815393, ClinGen allele CA262689487.